The following is an entry in ClinVar:

NM_001177693.2(ARHGEF28):c.323A>G (p.Asn108Ser)

Gene: ARHGEF28 (Rho guanine nucleotide exchange factor 28; plus strand). Cytogenetic location: 5q13.2.
Variant type: single nucleotide variant.
Coding change: c.323A>G on transcript NM_001177693.2 (MANE Select); coding-DNA position 323, A replaced by G.
Protein change: p.Asn108Ser; replaces asparagine 108 with serine.
Molecular consequence: missense variant. On other transcripts: intron variant (1).
Genome position (GRCh38, 1-based): chr5:73,753,050, A>G. VCF-style: chr5-73753050-A-G. GRCh37 (hg19) VCF-style: chr5-73048875-A-G.
Other names: c.323A>G, p.Asn108Ser (NM_001080479.3, NM_001388078.1); c.181+3066A>G (NM_001388076.1); short protein forms N108S.
Identifiers: ClinVar variation 809767 (VCV000809767.42), dbSNP rs202122468, ClinGen allele CA3304161.

ClinVar aggregate classification (germline): Benign (1 of 4 stars; one submission).

Allele frequency attached by ClinVar (database versions not stated): TOPMed 0.00229; 1000 Genomes Project 30x 0.00234; 1000 Genomes Project 0.00260; gnomAD 0.00292 and 0.00303; ESP Exome Variant Server 0.00304; gnomAD exomes 0.00343 and 0.00362; ExAC 0.00372.
gnomAD v4.1: 5,451 of 1,610,548 alleles (0.34%); highest among the groups gnomAD compares: South Asian, 0.58%; 16 homozygotes.

Submission:

CeGaT Center for Human Genetics Tuebingen
Classification: Benign. Last evaluated: 2023-05-01. Review status: criteria provided, single submitter. Criteria: CeGaT Center For Human Genetics Tuebingen Variant Classification Criteria Version 2. Collection method: clinical testing. Allele origin: germline. Affected: yes. Observed: 4 variant alleles.
Comment: ARHGEF28: BP4, BS1, BS2